The following is an entry in ClinVar:

ClinVar aggregate classification (germline): Benign (1 of 4 stars; one submission).

Conditions:
APC-Associated Polyposis Disorders.

Allele frequency attached by ClinVar (database versions not stated): gnomAD exomes 0.00119; 1000 Genomes Project 0.00339; 1000 Genomes Project 30x 0.00390; gnomAD 0.00476 and 0.00512; TOPMed 0.00549.
gnomAD v4.1: 820 of 231,902 alleles (0.35%); highest among the groups gnomAD compares: African/African-American, 1.6%; 5 homozygotes.

Submission:

Illumina Laboratory Services, Illumina
Classification: Benign for APC-Associated Polyposis Disorders. Last evaluated: 2018-01-12. Review status: criteria provided, single submitter. Criteria: ICSL Variant Classification Criteria 13 December 2019. Collection method: clinical testing. Allele origin: germline.
Comment: This variant was observed in the ICSL laboratory as part of a predisposition screen in an ostensibly healthy population. It had not been previously curated by ICSL or reported in the Human Gene Mutation Database (HGMD: prior to June 1st, 2018), and was therefore a candidate for classification through an automated scoring system. Utilizing variant allele frequency, disease prevalence and penetrance estimates, and inheritance mode, an automated score was calculated to assess if this variant is too frequent to cause the disease. Based on the score and internal cut-off values, a variant classified as benign is not then subjected to further curation. The score for this variant resulted in a classification of benign for this disease.

NM_000038.6(APC):c.*655G>T

Gene: APC (APC regulator of Wnt signaling pathway; plus strand). Cytogenetic location: 5q22.2.
Variant type: single nucleotide variant.
Coding change: c.*655G>T on transcript NM_000038.6 (MANE Select); 655 bases downstream of the stop codon, G replaced by T.
Molecular consequence: 3 prime UTR variant.
Genome position (GRCh38, 1-based): chr5:112,844,781, G>T. VCF-style: chr5-112844781-G-T. GRCh37 (hg19) VCF-style: chr5-112180478-G-T.
Other names: c.*655G>T (NM_001127510.3, NM_001127511.3, NM_001354895.2 and 11 more transcripts).
Identifiers: ClinVar variation 904161 (VCV000904161.4), dbSNP rs114463799, ClinGen allele CA124936920.
Genomic context (GRCh38, chr5:112,844,781, plus strand): 5'-GAGATAGCTACAGTGTAATAATTTACACTATTTTGTGCTCCAAACAAAACAAAAATCTGT[G>T]TAACTGTAAAACATTGAATGAAACTATTTTACCTGAACTAGATTTTATCTGAAAGTAGGT-3'